The following is an entry in ClinVar:

NM_000222.3(KIT):c.2623G>T (p.Val875Phe)

Gene: KIT (KIT proto-oncogene, receptor tyrosine kinase; plus strand). Cytogenetic location: 4q12.
Variant type: single nucleotide variant.
Coding change: c.2623G>T on transcript NM_000222.3 (MANE Select); coding-DNA position 2623, G replaced by T.
Protein change: p.Val875Phe; replaces valine 875 with phenylalanine.
Molecular consequence: missense variant.
Genome position (GRCh38, 1-based): chr4:54,736,747, G>T. VCF-style: chr4-54736747-G-T. GRCh37 (hg19) VCF-style: chr4-55602913-G-T.
Other names: c.2611G>T, p.Val871Phe (NM_001093772.2, NM_001385292.1); c.2626G>T, p.Val876Phe (NM_001385284.1); c.2620G>T, p.Val874Phe (NM_001385285.1); c.2608G>T, p.Val870Phe (NM_001385286.1); c.2614G>T, p.Val872Phe (NM_001385288.1); c.2623G>T, p.Val875Phe (NM_001385290.1); short protein forms V874F, V876F, V871F, V872F, V870F, V875F.
Identifiers: ClinVar variation 3864557 (VCV003864557.1).

ClinVar aggregate classification (germline): Uncertain significance (1 of 4 stars; one submission).

Conditions:
Hereditary cancer-predisposing syndrome. Also called: Hereditary neoplastic syndrome; Neoplastic Syndromes, Hereditary; Tumor predisposition; Hereditary Cancer Syndrome. Identifiers: Orphanet 140162, MedGen C0027672, MeSH D009386, MONDO:0015356.

Submission:

Ambry Genetics
Classification: Uncertain significance for Hereditary cancer-predisposing syndrome. Last evaluated: 2025-03-14. Review status: criteria provided, single submitter. Criteria: Ambry Variant Classification Scheme 2023. Collection method: clinical testing. Allele origin: germline.
Comment: The p.V875F variant (also known as c.2623G>T), located in coding exon 19 of the KIT gene, results from a G to T substitution at nucleotide position 2623. The valine at codon 875 is replaced by phenylalanine, an amino acid with highly similar properties. This amino acid position is conserved. In addition, this alteration is predicted to be deleterious by in silico analysis. Based on the available evidence, the clinical significance of this variant remains unclear.